The following is an entry in ClinVar:

ClinVar aggregate classification (germline): Uncertain significance (1 of 4 stars; one submission).

Conditions:
Cataract 36. Identifiers: MedGen C3151304, MONDO:0013484, OMIM 613887.

Allele frequency attached by ClinVar (database versions not stated): gnomAD 0.00001; gnomAD exomes 0.00001.
gnomAD v4.1: 12 of 1,613,066 alleles (0.00074%); highest among the groups gnomAD compares: Non-Finnish European, 0.00093%; no homozygotes.

Submission:

Labcorp Genetics (formerly Invitae), Labcorp
Classification: Uncertain significance for Cataract 36. Last evaluated: 2022-07-08. Review status: criteria provided, single submitter. Criteria: Invitae Variant Classification Sherloc (09022015). Collection method: clinical testing. Allele origin: germline.
Comment: This sequence change replaces glycine, which is neutral and non-polar, with glutamic acid, which is acidic and polar, at codon 716 of the TDRD7 protein (p.Gly716Glu). In summary, the available evidence is currently insufficient to determine the role of this variant in disease. Therefore, it has been classified as a Variant of Uncertain Significance. Algorithms developed to predict the effect of missense changes on protein structure and function are either unavailable or do not agree on the potential impact of this missense change (SIFT: "Deleterious"; PolyPhen-2: "Probably Damaging"; Align-GVGD: "Class C0"). This variant has not been reported in the literature in individuals affected with TDRD7-related conditions. This variant is present in population databases (no rsID available, gnomAD 0.002%).

NM_014290.3(TDRD7):c.2147G>A (p.Gly716Glu)

Gene: TDRD7 (tudor domain containing 7; plus strand). Cytogenetic location: 9q22.33.
Variant type: single nucleotide variant.
Coding change: c.2147G>A on transcript NM_014290.3 (MANE Select); coding-DNA position 2147, G replaced by A.
Protein change: p.Gly716Glu; replaces glycine 716 with glutamic acid.
Molecular consequence: missense variant.
Genome position (GRCh38, 1-based): chr9:97,475,450, G>A. VCF-style: chr9-97475450-G-A. GRCh37 (hg19) VCF-style: chr9-100237732-G-A.
Other names: c.1925G>A, p.Gly642Glu (NM_001302884.2); short protein forms G642E, G716E.
Identifiers: ClinVar variation 1932257 (VCV001932257.5), dbSNP rs1474489432, ClinGen allele CA374174398.